The following is an entry in ClinVar:

NM_000557.5(GDF5):c.490_491dup (p.Pro165fs)

Gene: GDF5 (growth differentiation factor 5; minus strand). Cytogenetic location: 20q11.22.
Variant type: Duplication.
Coding change: c.490_491dup on transcript NM_000557.5 (MANE Select); coding-DNA positions 490 to 491, 2 bases duplicated (CC; older notation c.490_491dupCC).
Protein change: p.Pro165fs; shifts the reading frame from proline 165.
Molecular consequence: frameshift variant.
Genome position (GRCh38, 1-based): chr20:35,437,438-35,437,439, GG duplicated on the plus strand (CC on the coding strand, the reverse complement: GDF5 is on the minus strand); duplicating any 2 consecutive bases within chr20:35,437,438-35,437,440 gives the same sequence; the c. name uses the placement nearest the transcript's 3' end. VCF-style (leftmost placement, unchanged base first): chr20-35437437-T-TGG. GRCh37 (hg19) VCF-style: chr20-34025217-T-TGG.
Other names: c.490_491dup, p.Pro165fs (NM_001319138.2); short protein forms P165fs.
Identifiers: ClinVar variation 3377359 (VCV003377359.1).

ClinVar aggregate classification (germline): Pathogenic (1 of 4 stars; one submission).

Conditions:
Brachydactyly type C (BDC). Identifiers: Orphanet 93384, MedGen C1862103, MONDO:0007221, OMIM 113100, HP:0009373.

Submission:

Victorian Clinical Genetics Services, Murdoch Childrens Research Institute
Classification: Pathogenic for Brachydactyly type C. Last evaluated: 2021-05-06. Review status: criteria provided, single submitter. Criteria: ACMG Guidelines, 2015. Collection method: clinical testing. Allele origin: germline. Inheritance: Autosomal dominant inheritance.
Comment: Based on the classification scheme VCGS_Germline_v1.3.4, this variant is classified as Pathogenic. Following criteria are met: 0103 - Loss of function and gain of function are reported mechanisms of disease in this gene and are associated with GDF5-related disorders. Loss of function has been reported in association with brachydactylies (MIM#615072, #112600 and #113100) and acromesomelic dysplasias (MIM#200700, #228900 and #201250), whereas gain of function has been associated with synostoses (MIM#610017, #615298) (OMIM, PMID: 33333243). (I) 0108 - This gene is associated with both recessive and dominant disease (OMIM, PMID: 33333243). (I) 0112 - The condition associated with this gene has incomplete penetrance (PMID: 33333243). (I) 0115 - Variants in this gene are known to have variable expressivity (PMID: 33333243). (I) 0201 - Variant is predicted to cause nonsense-mediated decay (NMD) and loss of protein (premature termination codon is located at least 54 nucleotides upstream of the final exon-exon junction). (SP) 0251 - This variant is heterozygous. (I) 0301 - Variant is absent from gnomAD (both v2 and v3). (SP) 0701 - Other NMD variants comparable to the one identified in this case have very strong previous evidence for pathogenicity (ClinVar, DECIPHER, PMID: 33333243). (SP) 0807 - This variant has no previous evidence of pathogenicity. (I) 0905 - No published segregation evidence has been identified for this variant. (I) 1007 - No published functional evidence has been identified for this variant. (I) 1208 - Inheritance information for this variant is not currently available in this individual. (I) Legend: (SP) - Supporting pathogenic, (I) - Information, (SB) - Supporting benign

Literature cited by the submitters: PubMed 33333243.